The following is an entry in ClinVar:

NM_024665.7(TBL1XR1):c.1385T>C (p.Phe462Ser)

Gene: TBL1XR1 (TBL1X/Y related 1; minus strand). Cytogenetic location: 3q26.32.
Variant type: single nucleotide variant.
Coding change: c.1385T>C on transcript NM_024665.7 (MANE Select); coding-DNA position 1385, T replaced by C.
Protein change: p.Phe462Ser; replaces phenylalanine 462 with serine.
Molecular consequence: missense variant.
Genome position (GRCh38, 1-based): chr3:177,033,002, A>G on the plus strand (T>C on the coding strand, the complement: TBL1XR1 is on the minus strand). VCF-style: chr3-177033002-A-G. GRCh37 (hg19) VCF-style: chr3-176750790-A-G.
Other names: c.1385T>C, p.Phe462Ser (NM_001321193.3, NM_001321194.3, NM_001374327.1 and 2 more transcripts); c.1124T>C, p.Phe375Ser (NM_001321195.3, NM_001374330.1); short protein forms F462S, F375S.
Identifiers: ClinVar variation 2772384 (VCV002772384.3), dbSNP rs2473594035, ClinGen allele CA355554253.

ClinVar aggregate classification (germline): Likely pathogenic (1 of 4 stars; one submission).

Conditions:
Pierpont syndrome (PRPTS). Identifiers: Orphanet 487825, MedGen C1865644, MONDO:0011213, OMIM 602342.

Submission:

Labcorp Genetics (formerly Invitae), Labcorp
Classification: Likely pathogenic for Pierpont syndrome. Last evaluated: 2024-04-15. Review status: criteria provided, single submitter. Criteria: Invitae Variant Classification Sherloc (09022015). Collection method: clinical testing. Allele origin: germline.
Comment: This sequence change replaces phenylalanine, which is neutral and non-polar, with serine, which is neutral and polar, at codon 462 of the TBL1XR1 protein (p.Phe462Ser). This variant is not present in population databases (gnomAD no frequency). This missense change has been observed in individual(s) with clinical features of TBL1XR1-related conditions (Invitae). In at least one individual the variant was observed to be de novo. An algorithm developed to predict the effect of missense changes on protein structure and function (PolyPhen-2) suggests that this variant is likely to be disruptive. In summary, the currently available evidence indicates that the variant is pathogenic, but additional data are needed to prove that conclusively. Therefore, this variant has been classified as Likely Pathogenic.